The following is an entry in ClinVar:

ClinVar aggregate classification (germline): Likely benign. Review status: criteria provided, multiple submitters, no conflicts (2 of 4 stars). 3 submissions from 3 submitters: Likely benign (3). Last evaluated 2025-03-01.

Conditions:
Inborn genetic diseases. Identifiers: MedGen C0950123, MeSH D030342.
Landau-Kleffner syndrome (FESD). Also called: APHASIA, ACQUIRED, WITH EPILEPSY; EPILEPSY, FOCAL, WITH SPEECH DISORDER AND WITH OR WITHOUT MENTAL RETARDATION. Identifiers: Orphanet 1945, Orphanet 725, Orphanet 98818, MedGen C0282512, MONDO:0009509, OMIM 245570.

Allele frequency attached by ClinVar (database versions not stated): ExAC 0.00001; gnomAD exomes 0.00002 and 0.00001; gnomAD 0.00002; TOPMed 0.00002.
gnomAD v4.1: 27 of 1,614,020 alleles (0.0017%); highest among the groups gnomAD compares: African/African-American, 0.0027%; no homozygotes.

Submissions (3):

CeGaT Center for Human Genetics Tuebingen
Classification: Likely benign. Last evaluated: 2025-03-01. Review status: criteria provided, single submitter. Criteria: CeGaT Center For Human Genetics Tuebingen Variant Classification Criteria Version 2. Collection method: clinical testing. Allele origin: germline. Affected: yes. Observed: 1 variant allele.
Comment: GRIN2A: BP4, BP7

Labcorp Genetics (formerly Invitae), Labcorp
Classification: Likely benign for Landau-Kleffner syndrome. Last evaluated: 2024-10-16. Review status: criteria provided, single submitter. Criteria: Invitae Variant Classification Sherloc (09022015). Collection method: clinical testing. Allele origin: germline.

Ambry Genetics
Classification: Likely benign for Inborn genetic diseases. Last evaluated: 2020-06-22. Review status: criteria provided, single submitter. Criteria: Ambry Variant Classification Scheme 2023. Collection method: clinical testing. Allele origin: germline.

NM_001134407.3(GRIN2A):c.2652C>T (p.Asp884=)

Gene: GRIN2A (glutamate ionotropic receptor NMDA type subunit 2A; minus strand). Cytogenetic location: 16p13.2.
Variant type: single nucleotide variant.
Coding change: c.2652C>T on transcript NM_001134407.3 (MANE Select); coding-DNA position 2652, C replaced by T.
Protein change: p.Asp884=; no amino-acid change (aspartic acid 884 retained).
Molecular consequence: synonymous variant.
Genome position (GRCh38, 1-based): chr16:9,764,892, G>A on the plus strand (C>T on the coding strand, the complement: GRIN2A is on the minus strand). VCF-style: chr16-9764892-G-A. GRCh37 (hg19) VCF-style: chr16-9858749-G-A.
Other names: c.2652C>T, p.Asp884= (NM_000833.5, NM_001134408.2).
Identifiers: ClinVar variation 753889 (VCV000753889.17), dbSNP rs755207993, ClinGen allele CA7896449.